The following is an entry in ClinVar:

NM_001374828.1(ARID1B):c.2338G>A (p.Gly780Arg)

Gene: ARID1B (AT-rich interaction domain 1B; plus strand). Cytogenetic location: 6q25.3.
Variant type: single nucleotide variant.
Coding change: c.2338G>A on transcript NM_001374828.1 (MANE Select); coding-DNA position 2338, G replaced by A.
Protein change: p.Gly780Arg; replaces glycine 780 with arginine.
Molecular consequence: missense variant. On other transcripts: 5 prime UTR variant (2).
Genome position (GRCh38, 1-based): chr6:157,084,752, G>A. VCF-style: chr6-157084752-G-A. GRCh37 (hg19) VCF-style: chr6-157405886-G-A.
Other names: c.2338G>A, p.Gly780Arg (NM_001438482.1, NM_001438485.1, NM_001438487.1 and 1 more transcripts); c.2380G>A, p.Gly794Arg (NM_001438483.1, NM_001438486.1); c.-162G>A (NM_001438488.1, NM_001363725.2); c.2377G>A, p.Gly793Arg (NM_001371656.1, NM_001374820.1); short protein forms G780R, G793R, G794R.
Identifiers: ClinVar variation 4813593 (VCV004813593.1).

ClinVar aggregate classification (germline): Uncertain significance (1 of 4 stars; one submission).

Conditions:
Coffin-Siris syndrome 1 (CSS1). Also called: ARID1B-Related Coffin-Siris Syndrome; Mental retardation, autosomal dominant 12. Identifiers: Orphanet 1465, MedGen C3281201, MONDO:0007617, OMIM 135900. Disease mechanism: gain of function.

Submission:

Mendelics
Classification: Uncertain significance for Coffin-Siris syndrome 1. Last evaluated: 2026-03-05. Review status: criteria provided, single submitter. Criteria: ACMG Guidelines, 2015. Collection method: clinical testing. Allele origin: unknown.
Comment: The available evidence is insufficient to conclusively determine the role of this variant. Therefore, it is classified as a Variant of Uncertain Significance.